The following is an entry in ClinVar:

ClinVar aggregate classification (germline): Uncertain significance (1 of 4 stars; one submission).

Conditions:
Severe combined immunodeficiency due to DNA-PKcs deficiency. Also called: IMMUNODEFICIENCY 26 WITH NEUROLOGIC ABNORMALITIES; Immunodeficiency 26 with or without neurologic abnormalities. Identifiers: Orphanet 317425, MedGen C4014833, MONDO:0014423, OMIM 615966.

Allele frequency attached by ClinVar (database versions not stated): gnomAD exomes below 0.00001; gnomAD 0.00001; TOPMed 0.00001.
gnomAD v4.1: 7 of 1,608,246 alleles (0.00044%); highest among the groups gnomAD compares: Non-Finnish European, 0.0006%; no homozygotes.

Submission:

Labcorp Genetics (formerly Invitae), Labcorp
Classification: Uncertain significance for Severe combined immunodeficiency due to DNA-PKcs deficiency. Last evaluated: 2025-02-06. Review status: criteria provided, single submitter. Criteria: Invitae Variant Classification Sherloc (09022015). Collection method: clinical testing. Allele origin: germline.
Comment: This sequence change replaces alanine, which is neutral and non-polar, with valine, which is neutral and non-polar, at codon 3556 of the PRKDC protein (p.Ala3556Val). The frequency data for this variant in the population databases is considered unreliable, as metrics indicate poor data quality at this position in the gnomAD database. This variant has not been reported in the literature in individuals affected with PRKDC-related conditions. ClinVar contains an entry for this variant (Variation ID: 944442). Invitae Evidence Modeling of protein sequence and biophysical properties (such as structural, functional, and spatial information, amino acid conservation, physicochemical variation, residue mobility, and thermodynamic stability) has been performed for this missense variant. However, the output from this modeling did not meet the statistical confidence thresholds required to predict the impact of this variant on PRKDC protein function. In summary, the available evidence is currently insufficient to determine the role of this variant in disease. Therefore, it has been classified as a Variant of Uncertain Significance.

NM_006904.7(PRKDC):c.10667C>T (p.Ala3556Val)

Gene: PRKDC (protein kinase, DNA-activated, catalytic subunit; minus strand). Cytogenetic location: 8q11.21.
Variant type: single nucleotide variant.
Coding change: c.10667C>T on transcript NM_006904.7 (MANE Select); coding-DNA position 10667, C replaced by T.
Protein change: p.Ala3556Val; replaces alanine 3556 with valine.
Molecular consequence: missense variant.
Genome position (GRCh38, 1-based): chr8:47,794,293, G>A on the plus strand (C>T on the coding strand, the complement: PRKDC is on the minus strand). VCF-style: chr8-47794293-G-A. GRCh37 (hg19) VCF-style: chr8-48706854-G-A.
Other names: c.10667C>T, p.Ala3556Val (NM_001081640.2); short protein forms A3556V.
Identifiers: ClinVar variation 944442 (VCV000944442.4), dbSNP rs1396987373, ClinGen allele CA371133472.
Genomic context (GRCh38, chr8:47,794,293, plus strand): 5'-CACATTTTTATAACCTATAGTATTTGATCAACCTATTCCTTCTGTAATATTACCTACCTT[G>A]CCACAAACTCCTTATTCTTATGACCAGTAGAAGTATCCTTGAAGGAATAGCTTTCGCTGC-3'
Protein context (NP_008835.5, residues 3546-3566): STGHKNKEFV[Ala3556Val]RIKSKLDQGG